The following is an entry in ClinVar:

NM_005633.4(SOS1):c.-1C>T

Genes: SOS1 (SOS Ras/Rac guanine nucleotide exchange factor 1; minus strand), LOC129933535 (ATAC-STARR-seq lymphoblastoid silent region 11384; plus strand). Cytogenetic location: 2p22.1.
Variant type: single nucleotide variant.
Coding change: c.-1C>T on transcript NM_005633.4 (MANE Select); 1 bases upstream of the start codon, C replaced by T.
Molecular consequence: 5 prime UTR variant. On other transcripts: intron variant (1).
Genome position (GRCh38, 1-based): chr2:39,120,423, G>A on the plus strand (C>T on the coding strand, the complement: SOS1 is on the minus strand). VCF-style: chr2-39120423-G-A. GRCh37 (hg19) VCF-style: chr2-39347564-G-A.
Other names: c.-1C>T (NM_001382395.1); c.66+4241C>T (NM_001382394.1).
Identifiers: ClinVar variation 1784200 (VCV001784200.3), dbSNP rs1387373828, ClinGen allele CA532106836.

ClinVar aggregate classification (germline): Uncertain significance (1 of 4 stars; one submission).

Conditions:
Cardiovascular phenotype. Identifiers: MedGen CN230736.

Allele frequency attached by ClinVar (database versions not stated): TOPMed 0.00001; gnomAD 0.00002.

Submission:

Ambry Genetics
Classification: Uncertain significance for Cardiovascular phenotype. Last evaluated: 2025-10-30. Review status: criteria provided, single submitter. Criteria: Ambry Variant Classification Scheme 2023. Collection method: clinical testing. Allele origin: germline.
Comment: The c.-1C>T variant is located in the 5' untranslated region (5&rsquo; UTR) of the SOS1 gene. This variant results from a C to T substitution 1 bases upstream from the first translated codon. Based on nucleotide sequence alignment, this position is well conserved in available vertebrate species. Since supporting evidence is limited at this time, the clinical significance of this alteration remains unclear.